The following is an entry in ClinVar:

NM_000051.4(ATM):c.6161C>A (p.Ala2054Glu)

Genes: ATM (ATM serine/threonine kinase; plus strand), C11orf65 (chromosome 11 open reading frame 65; minus strand). Cytogenetic location: 11q22.3.
Variant type: single nucleotide variant.
Coding change: c.6161C>A on transcript NM_000051.4 (MANE Select); coding-DNA position 6161, C replaced by A.
Protein change: p.Ala2054Glu; replaces alanine 2054 with glutamic acid.
Molecular consequence: missense variant. On other transcripts: intron variant (2).
Genome position (GRCh38, 1-based): chr11:108,316,076, C>A. VCF-style: chr11-108316076-C-A. GRCh37 (hg19) VCF-style: chr11-108186803-C-A.
Other names: c.6161C>A, p.Ala2054Glu (NM_001351834.2); c.641-7005G>T (NM_001330368.2); c.*39-7005G>T (NM_001351110.2); short protein forms A2054E.
Identifiers: ClinVar variation 3798633 (VCV003798633.1).

ClinVar aggregate classification (germline): Uncertain significance (1 of 4 stars; one submission).

Conditions:
Hereditary cancer-predisposing syndrome. Also called: Neoplastic Syndromes, Hereditary; Tumor predisposition; Hereditary Cancer Syndrome; Hereditary neoplastic syndrome. Identifiers: Orphanet 140162, MedGen C0027672, MeSH D009386, MONDO:0015356.

Submission:

Ambry Genetics
Classification: Uncertain significance for Hereditary cancer-predisposing syndrome. Last evaluated: 2025-02-03. Review status: criteria provided, single submitter. Criteria: Ambry Variant Classification Scheme 2023. Collection method: clinical testing. Allele origin: germline.
Comment: The p.A2054E variant (also known as c.6161C>A), located in coding exon 41 of the ATM gene, results from a C to A substitution at nucleotide position 6161. The alanine at codon 2054 is replaced by glutamic acid, an amino acid with dissimilar properties. This amino acid position is conserved. In addition, this alteration is predicted to be tolerated by in silico analysis. Based on the available evidence, the clinical significance of this variant remains unclear.